The following is an entry in ClinVar:

NM_024675.3:c.2835_3113del

Gene: PALB2 (partner and localizer of BRCA2; minus strand).
Variant type: Deletion.
Identifiers: ClinVar variation 1809518 (VCV001809518.2).

ClinVar aggregate classification (germline): Likely pathogenic (1 of 4 stars; one submission).

Submission:

Quest Diagnostics Nichols Institute San Juan Capistrano
Classification: Likely pathogenic. Last evaluated: 2025-06-17. Review status: criteria provided, single submitter. Criteria: Quest Diagnostics criteria. Collection method: clinical testing. Allele origin: unknown.
Comment: A deletion of exons 9-10 (c.2835_3113) in the PALB2 gene is predicted to maintain the translation reading frame of the PALB2 mRNA, however, it removes a portion of the gene important for its structure or function (PMID: 24141787 (2014)). In the published literature, similar deletions of exons 9-10 in the PALB2 gene have been reported in individuals/families affected with breast/ovarian cancer (PMID: 24136930 (2013), 32624572 (2020), 37686625 (2023)). This variant has not been reported in large, multi-ethnic general populations (Genome Aggregation Database). Based on the available information, this variant is classified as likely pathogenic.

Literature cited by the submitters: PubMed 24141787; PubMed 32624572; PubMed 37686625; PubMed 24136930.